The following is an entry in ClinVar:

NM_012431.3(SEMA3E):c.398G>A (p.Cys133Tyr)

Gene: SEMA3E (semaphorin 3E; minus strand). Cytogenetic location: 7q21.11.
Variant type: single nucleotide variant.
Coding change: c.398G>A on transcript NM_012431.3 (MANE Select); coding-DNA position 398, G replaced by A.
Protein change: p.Cys133Tyr; replaces cysteine 133 with tyrosine.
Molecular consequence: missense variant.
Genome position (GRCh38, 1-based): chr7:83,466,540, C>T on the plus strand (G>A on the coding strand, the complement: SEMA3E is on the minus strand). VCF-style: chr7-83466540-C-T. GRCh37 (hg19) VCF-style: chr7-83095856-C-T.
Other names: c.218G>A, p.Cys73Tyr (NM_001178129.2); short protein forms C133Y, C73Y.
Identifiers: ClinVar variation 2657650 (VCV002657650.24), dbSNP rs2484438667, ClinGen allele CA367935680.

ClinVar aggregate classification (germline): Uncertain significance (1 of 4 stars; one submission).

Submission:

CeGaT Center for Human Genetics Tuebingen
Classification: Uncertain significance. Last evaluated: 2022-07-01. Review status: criteria provided, single submitter. Criteria: CeGaT Center For Human Genetics Tuebingen Variant Classification Criteria Version 2. Collection method: clinical testing. Allele origin: germline. Affected: yes. Observed: 1 variant allele.
Comment: SEMA3E: PM2, PP3